The following is an entry in ClinVar:

ClinVar aggregate classification (germline): Conflicting classifications of pathogenicity. Review status: criteria provided, conflicting classifications (1 of 4 stars). 2 submissions from 2 submitters: Uncertain significance (1); Likely benign (1). Last evaluated 2026-03-14.

Conditions:
Kleefstra syndrome 2 (KLEFS2). Identifiers: MedGen C4540395, MONDO:0054701, OMIM 617768.

Allele frequency attached by ClinVar (database versions not stated): ExAC 0.00001; gnomAD exomes 0.00001.
gnomAD v4.1: 7 of 1,614,152 alleles (0.00043%); highest among the groups gnomAD compares: South Asian, 0.0044%; no homozygotes.

Submissions (2):

Centre for Medical Genetics,  Mumbai
Classification: Likely benign for Kleefstra syndrome 2. Last evaluated: 2026-03-14. Review status: criteria provided, single submitter. Criteria: ACMG Guidelines, 2015. Collection method: provider interpretation. Allele origin: germline. Inheritance: Autosomal dominant inheritance. Affected: no. Observed: 1 variant allele, 1 heterozygote.
Comment: The variant satisfies PM2 criteria; Extremely low frequency in gnomAD population databases. However, the variant satisfies BS2 criteria.

CeGaT Center for Human Genetics Tuebingen
Classification: Uncertain significance. Last evaluated: 2023-09-01. Review status: criteria provided, single submitter. Criteria: CeGaT Center For Human Genetics Tuebingen Variant Classification Criteria Version 2. Collection method: clinical testing. Allele origin: germline. Affected: yes. Observed: 1 variant allele.
Comment: KMT2C: PM2:Supporting, BP4

Literature cited by the submitters: PubMed 22726846 (cited by Centre for Medical Genetics,  Mumbai).

NM_170606.3(KMT2C):c.6104C>T (p.Pro2035Leu)

Gene: KMT2C (lysine methyltransferase 2C; minus strand). Cytogenetic location: 7q36.1.
Variant type: single nucleotide variant.
Coding change: c.6104C>T on transcript NM_170606.3 (MANE Select); coding-DNA position 6104, C replaced by T.
Protein change: p.Pro2035Leu; replaces proline 2035 with leucine.
Molecular consequence: missense variant.
Genome position (GRCh38, 1-based): chr7:152,181,756, G>A on the plus strand (C>T on the coding strand, the complement: KMT2C is on the minus strand). VCF-style: chr7-152181756-G-A. GRCh37 (hg19) VCF-style: chr7-151878841-G-A.
Other names: short protein forms P2035L.
Identifiers: ClinVar variation 2583055 (VCV002583055.26), dbSNP rs750888500, ClinGen allele CA4580134.